The following is an entry in ClinVar:

ClinVar aggregate classification (germline): Uncertain significance. Review status: criteria provided, multiple submitters, no conflicts (2 of 4 stars). 2 submissions from 2 submitters: Uncertain significance (2). Last evaluated 2025-08-22.

Allele frequency attached by ClinVar (database versions not stated): TOPMed 0.00001.

Submissions (2):

Ambry Genetics
Classification: Uncertain significance. Last evaluated: 2025-08-22. Review status: criteria provided, single submitter. Criteria: Ambry Variant Classification Scheme 2023. Collection method: clinical testing. Allele origin: germline.

Labcorp Genetics (formerly Invitae), Labcorp
Classification: Uncertain significance. Last evaluated: 2023-12-07. Review status: criteria provided, single submitter. Criteria: Invitae Variant Classification Sherloc (09022015). Collection method: clinical testing. Allele origin: germline.
Comment: This sequence change replaces serine, which is neutral and polar, with threonine, which is neutral and polar, at codon 300 of the CCDC88A protein (p.Ser300Thr). This variant is not present in population databases (gnomAD no frequency). This variant has not been reported in the literature in individuals affected with CCDC88A-related conditions. ClinVar contains an entry for this variant (Variation ID: 2152529). An algorithm developed to predict the effect of missense changes on protein structure and function (PolyPhen-2) suggests that this variant is likely to be tolerated. In summary, the available evidence is currently insufficient to determine the role of this variant in disease. Therefore, it has been classified as a Variant of Uncertain Significance.

NM_001365480.1(CCDC88A):c.898T>A (p.Ser300Thr)

Gene: CCDC88A (coiled-coil and HOOK domain protein 88A; minus strand). Cytogenetic location: 2p16.1.
Variant type: single nucleotide variant.
Coding change: c.898T>A on transcript NM_001365480.1 (MANE Select); coding-DNA position 898, T replaced by A.
Protein change: p.Ser300Thr; replaces serine 300 with threonine.
Molecular consequence: missense variant.
Genome position (GRCh38, 1-based): chr2:55,346,318, A>T on the plus strand (T>A on the coding strand, the complement: CCDC88A is on the minus strand). VCF-style: chr2-55346318-A-T. GRCh37 (hg19) VCF-style: chr2-55573454-A-T.
Other names: c.898T>A (NM_001135597.1); c.898T>A, p.Ser300Thr (NM_001135597.2, NM_001254943.2, NM_018084.5); short protein forms S300T.
Identifiers: ClinVar variation 2152529 (VCV002152529.5), dbSNP rs917644976, ClinGen allele CA47615671.
Genomic context (GRCh38, chr2:55,346,318, plus strand): 5'-CTGCTTTCTCTCGAAGTGCATCTAATTCATCTCGGTACATTCTGGCAGAGCGAGCATCCG[A>T]AAGCAAATTCATGTTCTAAACAAAAATTTAAAATTATATTTTAATTATTTTCTGTTATCA-3'
Protein context (NP_001352409.1, residues 290-310): RLQQENMNLL[Ser300Thr]DARSARMYRD